The following is an entry in ClinVar:

NM_001164508.2(NEB):c.6639del (p.Phe2213fs)

Gene: NEB (nebulin; minus strand). Cytogenetic location: 2q23.3.
Variant type: Deletion.
Coding change: c.6639del on transcript NM_001164508.2 (MANE Select); coding-DNA position 6639, one base deleted (T; older notation c.6639delT).
Protein change: p.Phe2213fs; shifts the reading frame from phenylalanine 2213.
Molecular consequence: frameshift variant.
Genome position (GRCh38, 1-based): chr2:151,655,880, A deleted on the plus strand (T on the coding strand, the reverse complement: NEB is on the minus strand); the first of 3 consecutive A bases (chr2:151,655,880-151,655,882); deleting any one gives the same sequence. VCF-style (leftmost placement, unchanged base first): chr2-151655879-TA-T. GRCh37 (hg19) VCF-style: chr2-152512393-TA-T.
Other names: c.6639del, p.Phe2213fs (NM_001164507.2, NM_001271208.2, NM_004543.5); short protein forms F2213fs.
Identifiers: ClinVar variation 1071130 (VCV001071130.7), dbSNP rs2154147691, ClinGen allele CA2499215107.
Genomic context (GRCh38, chr2:151,655,879, plus strand): 5'-TGTTCATGGTATGTGCATTCTGCTTGGCAAGCACCATGTCCATGGAATCAGTCAGCTTCT[TA>T]AACTGGAAGTTGCTCGGGTGCTGGCGGTATTTCTGATCACTGGCATATTCAGTTGCTTTC-3'

ClinVar aggregate classification (germline): Pathogenic (1 of 4 stars; one submission).

Conditions:
Nemaline myopathy 2 (NEM2). Also called: Nemaline myopathy 2, autosomal recessive. Identifiers: MedGen C1850569, MONDO:0009725, OMIM 256030.

Submission:

Labcorp Genetics (formerly Invitae), Labcorp
Classification: Pathogenic for Nemaline myopathy 2. Last evaluated: 2020-07-07. Review status: criteria provided, single submitter. Criteria: Invitae Variant Classification Sherloc (09022015). Collection method: clinical testing. Allele origin: germline.
Comment: For these reasons, this variant has been classified as Pathogenic. Loss-of-function variants in NEB are known to be pathogenic (PMID: 25205138). This variant has not been reported in the literature in individuals with NEB-related conditions. This variant is not present in population databases (ExAC no frequency). This sequence change creates a premature translational stop signal (p.Phe2213Leufs*4) in the NEB gene. It is expected to result in an absent or disrupted protein product.

Literature cited by the submitters: PubMed 25205138.